The following is an entry in ClinVar:

NM_002872.5(RAC2):c.562G>A (p.Ala188Thr)

Gene: RAC2 (Rac family small GTPase 2; minus strand). Cytogenetic location: 22q13.1.
Variant type: single nucleotide variant.
Coding change: c.562G>A on transcript NM_002872.5 (MANE Select); coding-DNA position 562, G replaced by A.
Protein change: p.Ala188Thr; replaces alanine 188 with threonine.
Molecular consequence: missense variant.
Genome position (GRCh38, 1-based): chr22:37,226,690, C>T on the plus strand (G>A on the coding strand, the complement: RAC2 is on the minus strand). VCF-style: chr22-37226690-C-T. GRCh37 (hg19) VCF-style: chr22-37622730-C-T.
Other names: short protein forms A188T.
Identifiers: ClinVar variation 803686 (VCV000803686.6), dbSNP rs758461304, ClinGen allele CA10217453.

ClinVar aggregate classification (germline): Conflicting classifications of pathogenicity. Review status: criteria provided, conflicting classifications (1 of 4 stars). 2 submissions from 2 submitters: Uncertain significance (1); Likely benign (1). Last evaluated 2025-11-26.

Conditions:
Neutrophil immunodeficiency syndrome. Also called: Immunodeficiency 73A with defective neutrophil chemotaxis and leukocytosis. Identifiers: Orphanet 183707, MedGen C1842398, MONDO:0011988, OMIM 608203.

Allele frequency attached by ClinVar (database versions not stated): gnomAD 0.00001; TOPMed 0.00001; ExAC 0.00003; gnomAD exomes 0.00004.
gnomAD v4.1: 39 of 1,612,766 alleles (0.0024%); highest among the groups gnomAD compares: Admixed American, 0.015%; no homozygotes.

Submissions (2):

Labcorp Genetics (formerly Invitae), Labcorp
Classification: Uncertain significance for Neutrophil immunodeficiency syndrome. Last evaluated: 2025-11-26. Review status: criteria provided, single submitter. Criteria: Invitae Variant Classification Sherloc (09022015). Collection method: clinical testing. Allele origin: germline.
Comment: This sequence change replaces alanine, which is neutral and non-polar, with threonine, which is neutral and polar, at codon 188 of the RAC2 protein (p.Ala188Thr). This variant is present in population databases (rs758461304, gnomAD 0.009%). This variant has not been reported in the literature in individuals affected with RAC2-related conditions. ClinVar contains an entry for this variant (Variation ID: 803686). Invitae Evidence Modeling of protein sequence and biophysical properties (such as structural, functional, and spatial information, amino acid conservation, physicochemical variation, residue mobility, and thermodynamic stability) indicates that this missense variant is not expected to disrupt RAC2 protein function with a negative predictive value of 95%. In summary, the available evidence is currently insufficient to determine the role of this variant in disease. Therefore, it has been classified as a Variant of Uncertain Significance.

Mendelics
Classification: Likely benign for Neutrophil immunodeficiency syndrome. Last evaluated: 2019-05-28. Review status: criteria provided, single submitter. Criteria: Mendelics Assertion Criteria 2017. Collection method: clinical testing. Allele origin: unknown.